The following is an entry in ClinVar:

NM_000548.5(TSC2):c.4190T>C (p.Ile1397Thr)

Gene: TSC2 (TSC complex subunit 2; plus strand). Cytogenetic location: 16p13.3.
Variant type: single nucleotide variant.
Coding change: c.4190T>C on transcript NM_000548.5 (MANE Select); coding-DNA position 4190, T replaced by C.
Protein change: p.Ile1397Thr; replaces isoleucine 1397 with threonine.
Molecular consequence: missense variant.
Genome position (GRCh38, 1-based): chr16:2,084,412, T>C. VCF-style: chr16-2084412-T-C. GRCh37 (hg19) VCF-style: chr16-2134413-T-C.
Other names: c.4058T>C, p.Ile1353Thr (NM_001370404.1); c.4061T>C, p.Ile1354Thr (NM_001370405.1, NM_021055.3); c.4190T>C (NM_000548.3); c.3989T>C, p.Ile1330Thr (NM_001077183.3); c.4121T>C, p.Ile1374Thr (NM_001114382.3); c.3881T>C, p.Ile1294Thr (NM_001318827.2); c.3845T>C, p.Ile1282Thr (NM_001318829.2); c.3458T>C, p.Ile1153Thr (NM_001318831.2); and 2 more; short protein forms I1331T, I1374T, I1353T, I1153T, I1282T, I1341T, I1354T, I1294T.
Identifiers: ClinVar variation 1361105 (VCV001361105.10), dbSNP rs2090503435, ClinGen allele CA394299835.

ClinVar aggregate classification (germline): Uncertain significance. Review status: criteria provided, multiple submitters, no conflicts (2 of 4 stars). 2 submissions from 2 submitters: Uncertain significance (2). Last evaluated 2025-07-02.

Conditions:
Tuberous sclerosis 2 (TSC2). Identifiers: Orphanet 805, MedGen C1860707, MONDO:0013199, OMIM 613254.
Hereditary cancer-predisposing syndrome. Also called: Hereditary Cancer Syndrome; Hereditary neoplastic syndrome; Tumor predisposition; Neoplastic Syndromes, Hereditary. Identifiers: Orphanet 140162, MedGen C0027672, MeSH D009386, MONDO:0015356.

Submissions (2):

Labcorp Genetics (formerly Invitae), Labcorp
Classification: Uncertain significance for Tuberous sclerosis 2. Last evaluated: 2025-07-02. Review status: criteria provided, single submitter. Criteria: Invitae Variant Classification Sherloc (09022015). Collection method: clinical testing. Allele origin: germline.
Comment: This sequence change replaces isoleucine, which is neutral and non-polar, with threonine, which is neutral and polar, at codon 1397 of the TSC2 protein (p.Ile1397Thr). This variant is not present in population databases (gnomAD no frequency). This variant has not been reported in the literature in individuals affected with TSC2-related conditions. ClinVar contains an entry for this variant (Variation ID: 1361105). Invitae Evidence Modeling of protein sequence and biophysical properties (such as structural, functional, and spatial information, amino acid conservation, physicochemical variation, residue mobility, and thermodynamic stability) indicates that this missense variant is not expected to disrupt TSC2 protein function with a negative predictive value of 95%. In summary, the available evidence is currently insufficient to determine the role of this variant in disease. Therefore, it has been classified as a Variant of Uncertain Significance.

Ambry Genetics
Classification: Uncertain significance for Hereditary cancer-predisposing syndrome. Last evaluated: 2025-03-06. Review status: criteria provided, single submitter. Criteria: Ambry Variant Classification Scheme 2023. Collection method: clinical testing. Allele origin: germline.
Comment: The p.I1397T variant (also known as c.4190T>C), located in coding exon 33 of the TSC2 gene, results from a T to C substitution at nucleotide position 4190. The isoleucine at codon 1397 is replaced by threonine, an amino acid with similar properties. This amino acid position is not well conserved in available vertebrate species. In addition, the in silico prediction for this alteration is inconclusive. Based on the available evidence, the clinical significance of this variant remains unclear.